The following is an entry in ClinVar:

ClinVar aggregate classification (germline): Benign. Review status: criteria provided, multiple submitters, no conflicts (2 of 4 stars). 8 submissions from 8 submitters: Benign (8). Last evaluated 2026-02-04.

Conditions:
Tyrosinase-positive oculocutaneous albinism (OCA2). Also called: ALBINISM II; Oculocutaneous albinism type 2; Albinism, oculocutaneous, type II. Identifiers: Orphanet 79432, MedGen C0268495, MONDO:0008746, OMIM 203200.

Allele frequency attached by ClinVar (database versions not stated): ESP Exome Variant Server 0.17469; gnomAD 0.19938 and 0.20813; TOPMed 0.21427; gnomAD exomes 0.22222 and 0.27718; ExAC 0.26215; 1000 Genomes Project 30x 0.27498; 1000 Genomes Project 0.28275.
gnomAD v4.1: 357,452 of 1,612,506 alleles (22%); highest among the groups gnomAD compares: East Asian, 58%; 46,174 homozygotes.

Submissions (8):

Labcorp Genetics (formerly Invitae), Labcorp
Classification: Benign. Last evaluated: 2026-02-04. Review status: criteria provided, single submitter. Criteria: Invitae Variant Classification Sherloc (09022015). Collection method: clinical testing. Allele origin: germline.

Women's Health and Genetics/Laboratory Corporation of America, LabCorp
Classification: Benign. Last evaluated: 2025-06-20. Review status: criteria provided, single submitter. Criteria: LabCorp Variant Classification Summary - May 2015. Collection method: clinical testing. Allele origin: germline.

Blueprint Genetics
Classification: Benign. Last evaluated: 2024-11-27. Review status: criteria provided, single submitter. Criteria: ACMG Guidelines, 2015. Collection method: clinical testing. Allele origin: germline.

Genome-Nilou Lab
Classification: Benign for Tyrosinase-positive oculocutaneous albinism. Last evaluated: 2021-09-05. Review status: criteria provided, single submitter. Criteria: ACMG Guidelines, 2015. Collection method: clinical testing. Allele origin: germline. Affected: no.

GeneDx
Classification: Benign. Last evaluated: 2018-11-12. Review status: criteria provided, single submitter. Criteria: GeneDx Variant Classification Process June 2021. Collection method: clinical testing. Allele origin: germline. Affected: yes.

Illumina Laboratory Services, Illumina
Classification: Benign for Tyrosinase-positive oculocutaneous albinism. Last evaluated: 2018-01-13. Review status: criteria provided, single submitter. Criteria: ICSL Variant Classification Criteria 13 December 2019. Collection method: clinical testing. Allele origin: germline.
Comment: This variant was observed in the ICSL laboratory as part of a predisposition screen in an ostensibly healthy population. It had not been previously curated by ICSL or reported in the Human Gene Mutation Database (HGMD: prior to June 1st, 2018), and was therefore a candidate for classification through an automated scoring system. Utilizing variant allele frequency, disease prevalence and penetrance estimates, and inheritance mode, an automated score was calculated to assess if this variant is too frequent to cause the disease. Based on the score and internal cut-off values, a variant classified as benign is not then subjected to further curation. The score for this variant resulted in a classification of benign for this disease.

Breakthrough Genomics
Classification: Benign. Review status: criteria provided, single submitter. Criteria: ACMG Guidelines, 2015. Collection method: not provided. Allele origin: germline. Inheritance: Autosomal recessive inheritance. Affected: yes.

PreventionGenetics, part of Exact Sciences
Classification: Benign. Review status: criteria provided, single submitter. Criteria: ACMG Guidelines, 2015. Collection method: clinical testing. Allele origin: germline.

NM_000275.3(OCA2):c.2364G>A (p.Ser788=)

Gene: OCA2 (OCA2 melanosomal transmembrane protein; minus strand). Cytogenetic location: 15q13.1.
Variant type: single nucleotide variant.
Coding change: c.2364G>A on transcript NM_000275.3 (MANE Select); coding-DNA position 2364, G replaced by A.
Protein change: p.Ser788=; no amino-acid change (serine 788 retained).
Molecular consequence: synonymous variant.
Genome position (GRCh38, 1-based): chr15:27,845,027, C>T on the plus strand (G>A on the coding strand, the complement: OCA2 is on the minus strand). VCF-style: chr15-27845027-C-T. GRCh37 (hg19) VCF-style: chr15-28090173-C-T.
Other names: c.2292G>A, p.Ser764= (NM_001300984.2).
Identifiers: ClinVar variation 255730 (VCV000255730.20), dbSNP rs12592307, ClinGen allele CA7438594.
Genomic context (GRCh38, chr15:27,845,027, plus strand): 5'-TTCCATGAAGGAGAACCCATATCCATGCTGTTCTGCAATCCCTGCACACACGACGTTTGC[C>T]GACGCGCCAATCAGTGTCCCGTTACCTAAAGTCAAAATTTAAAAACAAAATCCCAGTTCA-3'
Protein context (NP_000266.2, residues 778-798): LGGNGTLIGA[Ser788=]ANVVCAGIAE